The following is an entry in ClinVar:

ClinVar aggregate classification (germline): Likely pathogenic (1 of 4 stars; one submission).

Conditions:
Inborn genetic diseases. Identifiers: MedGen C0950123, MeSH D030342.

Submission:

Ambry Genetics
Classification: Likely pathogenic for Inborn genetic diseases. Last evaluated: 2024-09-16. Review status: criteria provided, single submitter. Criteria: Ambry Variant Classification Scheme 2023. Collection method: clinical testing. Allele origin: germline.
Comment: The c.2354+1G>A intronic variant results from a G to A substitution one nucleotide after coding exon 16 of the ZMIZ1 gene. Alterations that disrupt the canonical splice site are expected to cause aberrant splicing, resulting in an abnormal protein or a transcript that is subject to nonsense-mediated mRNA decay. This variant was not reported in population-based cohorts in the Genome Aggregation Database (gnomAD). This nucleotide position is highly conserved in available vertebrate species. In silico splice site analysis predicts that this alteration will weaken the native splice donor site and may result in the creation or strengthening of a novel splice donor site. Based on the available evidence, this alteration is classified as likely pathogenic.

NM_020338.4(ZMIZ1):c.2354+1G>A

Genes: ZMIZ1 (zinc finger MIZ-type containing 1; plus strand), LOC126860975 (CDK7 strongly-dependent group 2 enhancer GRCh37_chr10:81064163-81065362; plus strand). Cytogenetic location: 10q22.3.
Variant type: single nucleotide variant.
Coding change: c.2354+1G>A on transcript NM_020338.4 (MANE Select); the canonical splice donor site of the intron after coding-DNA position 2354, G replaced by A.
Molecular consequence: splice donor variant.
Genome position (GRCh38, 1-based): chr10:79,305,232, G>A. VCF-style: chr10-79305232-G-A. GRCh37 (hg19) VCF-style: chr10-81064989-G-A.
Identifiers: ClinVar variation 3473966 (VCV003473966.1).